The following is an entry in ClinVar:

ClinVar aggregate classification (germline): Likely benign. Review status: criteria provided, multiple submitters, no conflicts (2 of 4 stars). 5 submissions from 5 submitters: Likely benign (4). 1 of the submissions does not count toward it. Last evaluated 2025-11-03.

Conditions:
KAT6B-related disorder. Also called: KAT6B-related disorders; KAT6B-related condition.
Genitopatellar syndrome (GTPTS). Also called: Genitopatellar syndrome (GPS); ABSENT PATELLAE, SCROTAL HYPOPLASIA, RENAL ANOMALIES, FACIAL DYSMORPHISM, AND MENTAL RETARDATION. Identifiers: Orphanet 85201, MedGen C1853566, MONDO:0011640, OMIM 606170.

Allele frequency attached by ClinVar (database versions not stated): gnomAD 0.00009 and 0.00011; gnomAD exomes 0.00009 and 0.00010; ExAC 0.00012; TOPMed 0.00015; 1000 Genomes Project 0.00040.
gnomAD v4.1: 148 of 1,606,078 alleles (0.0092%); highest among the groups gnomAD compares: Middle Eastern, 0.18%; 1 homozygote.

Submissions (5):

Labcorp Genetics (formerly Invitae), Labcorp
Classification: Likely benign for Genitopatellar syndrome. Last evaluated: 2025-11-03. Review status: criteria provided, single submitter. Criteria: Invitae Variant Classification Sherloc (09022015). Collection method: clinical testing. Allele origin: germline.

CeGaT Center for Human Genetics Tuebingen
Classification: Likely benign. Last evaluated: 2025-03-01. Review status: criteria provided, single submitter. Criteria: CeGaT Center For Human Genetics Tuebingen Variant Classification Criteria Version 2. Collection method: clinical testing. Allele origin: germline. Affected: yes. Observed: 1 variant allele.
Comment: KAT6B: BP4, BP7

Blueprint Genetics
Classification: Likely benign. Last evaluated: 2024-10-31. Review status: criteria provided, single submitter. Criteria: ACMG Guidelines, 2015. Collection method: clinical testing. Allele origin: germline.

GeneDx
Classification: Likely benign. Last evaluated: 2021-02-03. Review status: criteria provided, single submitter. Criteria: GeneDx Variant Classification Process June 2021. Collection method: clinical testing. Allele origin: germline. Affected: yes.

PreventionGenetics, part of Exact Sciences
Classification: Benign for KAT6B-related condition. Last evaluated: 2019-07-26. Review status: no assertion criteria provided. Collection method: clinical testing. Allele origin: germline. Not counted in ClinVar's aggregate classification.
Comment: This variant is classified as benign based on ACMG/AMP sequence variant interpretation guidelines (Richards et al. 2015 PMID: 25741868, with internal and published modifications).

NM_012330.4(KAT6B):c.3264A>G (p.Glu1088=)

Gene: KAT6B (lysine acetyltransferase 6B; plus strand). Cytogenetic location: 10q22.2.
Variant type: single nucleotide variant.
Coding change: c.3264A>G on transcript NM_012330.4 (MANE Select); coding-DNA position 3264, A replaced by G.
Protein change: p.Glu1088=; no amino-acid change (glutamic acid 1088 retained).
Molecular consequence: synonymous variant.
Genome position (GRCh38, 1-based): chr10:75,022,123, A>G. VCF-style: chr10-75022123-A-G. GRCh37 (hg19) VCF-style: chr10-76781881-A-G.
Other names: c.2715A>G, p.Glu905= (NM_001256468.2, NM_001370138.1); c.2388A>G, p.Glu796= (NM_001256469.2, NM_001370139.1, NM_001370140.1 and 2 more transcripts); c.2226A>G, p.Glu742= (NM_001370132.1); c.1575A>G, p.Glu525= (NM_001370133.1); c.1179A>G, p.Glu393= (NM_001370134.1); c.921A>G, p.Glu307= (NM_001370135.1); c.3264A>G, p.Glu1088= (NM_001370136.1, NM_001370137.1); c.2199A>G, p.Glu733= (NM_001370143.1, NM_001370144.1).
Identifiers: ClinVar variation 1096943 (VCV001096943.21), dbSNP rs551589427, ClinGen allele CA5564775.
Genomic context (GRCh38, chr10:75,022,123, plus strand): 5'-CAGTGAAGAAGAAGAGGAGGAGGAGGACGAGGAGGAGGAAGAAGAGGAGGAAGAAGAGGA[A>G]GAGGATGAAGAGGAGGAAGAAGAGGAAGAAGAAGAAGAAGAAGAAGAAAATATTCAAAGC-3'
Protein context (NP_036462.2, residues 1078-1098): EEEEEEEEEE[Glu1088=]EDEEEEEEEE